The following is an entry in ClinVar:

ClinVar aggregate classification (germline): Likely benign. Review status: criteria provided, multiple submitters, no conflicts (2 of 4 stars). 4 submissions from 4 submitters: Likely benign (3). 1 of the submissions does not count toward it. Last evaluated 2025-01-01.

Conditions:
PCSK1-related disorder. Also called: PCSK1-related condition.

Allele frequency attached by ClinVar (database versions not stated): TOPMed below 0.00001; ExAC 0.00001; gnomAD 0.00001; gnomAD exomes 0.00002.
gnomAD v4.1: 11 of 1,517,512 alleles (0.00072%); highest among the groups gnomAD compares: Middle Eastern, 0.086%; no homozygotes.

Submissions (4):

CeGaT Center for Human Genetics Tuebingen
Classification: Likely benign. Last evaluated: 2025-01-01. Review status: criteria provided, single submitter. Criteria: CeGaT Center For Human Genetics Tuebingen Variant Classification Criteria Version 2. Collection method: clinical testing. Allele origin: germline. Affected: yes. Observed: 1 variant allele.
Comment: PCSK1: BP4, BP7

Labcorp Genetics (formerly Invitae), Labcorp
Classification: Likely benign. Last evaluated: 2024-04-01. Review status: criteria provided, single submitter. Criteria: Invitae Variant Classification Sherloc (09022015). Collection method: clinical testing. Allele origin: germline.

Genetic Services Laboratory, University of Chicago
Classification: Likely benign. Last evaluated: 2016-11-21. Review status: criteria provided, single submitter. Criteria: ACMG Guidelines, 2015. Collection method: clinical testing. Allele origin: germline. Affected: no.

PreventionGenetics, part of Exact Sciences
Classification: Likely benign for PCSK1-related condition. Last evaluated: 2020-06-25. Review status: no assertion criteria provided. Collection method: clinical testing. Allele origin: germline. Not counted in ClinVar's aggregate classification.
Comment: This variant is classified as likely benign based on ACMG/AMP sequence variant interpretation guidelines (Richards et al. 2015 PMID: 25741868, with internal and published modifications).

NM_000439.5(PCSK1):c.183T>C (p.Ile61=)

Genes: CAST (calpastatin; plus strand), PCSK1 (proprotein convertase subtilisin/kexin type 1; minus strand), LOC101929710 (uncharacterized LOC101929710; plus strand). Cytogenetic location: 5q15.
Variant type: single nucleotide variant.
Coding change: c.183T>C on transcript NM_000439.5 (MANE Select); coding-DNA position 183, T replaced by C.
Protein change: p.Ile61=; no amino-acid change (isoleucine 61 retained).
Molecular consequence: synonymous variant.
Genome position (GRCh38, 1-based): chr5:96,429,315, A>G on the plus strand (T>C on the coding strand, the complement: PCSK1 is on the minus strand). VCF-style: chr5-96429315-A-G. GRCh37 (hg19) VCF-style: chr5-95765019-A-G.
Other names: c.42T>C, p.Ile14= (NM_001177875.2).
Identifiers: ClinVar variation 436280 (VCV000436280.23), dbSNP rs780272842, ClinGen allele CA3350558.
Genomic context (GRCh38, chr5:96,429,315, plus strand): 5'-CCTTCGAGACCTTCTGGGGTGGTTTTTATGTTTGAATAAGTAGTGATTTTCAAGTGAACC[A>G]ATCTATAAAAGGAAAGAAATAAAATAAATATCCACGTTCCCAAACAAGTATATATGGACT-3'
Protein context (NP_000430.3, residues 51-71): EELGYDLLGQ[Ile61=]GSLENHYLFK